The following is an entry in ClinVar:

NM_152641.4(ARID2):c.3866A>G (p.His1289Arg)

Gene: ARID2 (AT-rich interaction domain 2; plus strand). Cytogenetic location: 12q12.
Variant type: single nucleotide variant.
Coding change: c.3866A>G on transcript NM_152641.4 (MANE Select); coding-DNA position 3866, A replaced by G.
Protein change: p.His1289Arg; replaces histidine 1289 with arginine.
Molecular consequence: missense variant.
Genome position (GRCh38, 1-based): chr12:45,851,989, A>G. VCF-style: chr12-45851989-A-G. GRCh37 (hg19) VCF-style: chr12-46245772-A-G.
Other names: c.3866A>G, p.His1289Arg (NM_001347839.2); short protein forms H1289R.
Identifiers: ClinVar variation 4533916 (VCV004533916.6).

ClinVar aggregate classification (germline): Likely benign (1 of 4 stars; one submission).

gnomAD v4.1: 69 of 1,614,038 alleles (0.0043%); highest among the groups gnomAD compares: Non-Finnish European, 0.0053%; no homozygotes.

Submission:

CeGaT Center for Human Genetics Tuebingen
Classification: Likely benign. Last evaluated: 2025-10-01. Review status: criteria provided, single submitter. Criteria: CeGaT Center For Human Genetics Tuebingen Variant Classification Criteria Version 2. Collection method: clinical testing. Allele origin: germline. Affected: yes. Observed: 1 variant allele.
Comment: ARID2: BP4, BS2